The following is an entry in ClinVar:

NM_007294.4(BRCA1):c.5348T>C (p.Met1783Thr)

Gene: BRCA1 (BRCA1 DNA repair associated; minus strand). Cytogenetic location: 17q21.31.
Variant type: single nucleotide variant.
Coding change: c.5348T>C on transcript NM_007294.4 (MANE Select); coding-DNA position 5348, T replaced by C.
Protein change: p.Met1783Thr; replaces methionine 1783 with threonine.
Molecular consequence: missense variant. On other transcripts: non-coding transcript variant (1), intron variant (1).
Genome position (GRCh38, 1-based): chr17:43,049,179, A>G on the plus strand (T>C on the coding strand, the complement: BRCA1 is on the minus strand). VCF-style: chr17-43049179-A-G. GRCh37 (hg19) VCF-style: chr17-41201196-A-G.
Other names: p.M1783T:ATG>ACG; NP_009225.1:p.Met1783Thr; 5467T>C; c.5135T>C, p.Met1712Thr (NM_001407571.1, NM_001407894.1, NM_001407908.1 and 12 more transcripts); c.5414T>C, p.Met1805Thr (NM_001407581.1, NM_001407582.1); c.5411T>C, p.Met1804Thr (NM_001407583.1, NM_001407585.1, NM_001407587.1 and 1 more transcripts); c.5408T>C, p.Met1803Thr (NM_001407590.1, NM_001407591.1); c.5348T>C, p.Met1783Thr (NM_001407593.1, NM_001407594.1, NM_001407596.1 and 5 more transcripts); and 76 more; short protein forms M1783T, M1736T, M1804T, M679T, M1614T, M1654T, M1655T, M1672T.
Identifiers: ClinVar variation 37659 (VCV000037659.63), dbSNP rs55808233, ClinGen allele CA003516.

ClinVar aggregate classification (germline): Conflicting classifications of pathogenicity. Review status: criteria provided, conflicting classifications (1 of 4 stars). 20 submissions from 20 submitters: Uncertain significance (3); Benign (3); Likely benign (10). 4 of the submissions do not count toward it. Last evaluated 2026-01-28.

Conditions:
Inherited breast cancer and ovarian cancer.
Hereditary cancer. Identifiers: MedGen C1333600.
Breast and/or ovarian cancer. Identifiers: MedGen CN221562.
Hereditary cancer-predisposing syndrome. Also called: Neoplastic Syndromes, Hereditary; Tumor predisposition; Hereditary Cancer Syndrome; Hereditary neoplastic syndrome. Identifiers: Orphanet 140162, MedGen C0027672, MeSH D009386, MONDO:0015356.
Breast neoplasm. Also called: Neoplasm of breast; Breast tumor; Breast Neoplasms; Neoplasm of the breast. Identifiers: MedGen C1458155, MeSH D001943, MONDO:0021100, HP:0100013. Disease mechanism: gain of function.
Hereditary breast ovarian cancer syndrome. Also called: Hereditary breast and ovarian cancer; Breast and ovarian cancer; Hereditary breast and/or ovarian cancer syndrome; Hereditary breast and ovarian cancer syndrome (HBOC); Hereditary breast and ovarian cancer syndrome; BRCA1- and BRCA2-Associated Hereditary Breast and Ovarian Cancer. Identifiers: Orphanet 145, MedGen C0677776, MeSH D061325, MONDO:0003582. Disease mechanism: loss of function.
Breast-ovarian cancer, familial, susceptibility to, 1 (BROVCA1). Also called: OVARIAN CANCER, SUSCEPTIBILITY TO; BRCA1 Hereditary Breast and Ovarian Cancer. Identifiers: Orphanet 145, MedGen C2676676, MONDO:0011450, OMIM 604370. Disease mechanism: loss of function.
Malignant tumor of breast. Also called: Malignant breast neoplasm; Cancer breast. Identifiers: MedGen C0006142, MONDO:0007254. Disease mechanism: loss of function.

Allele frequency attached by ClinVar (database versions not stated): gnomAD exomes 0.00004 and 0.00012; ExAC 0.00017; 1000 Genomes Project 0.00020; 1000 Genomes Project 30x 0.00031; gnomAD 0.00051 and 0.00058; TOPMed 0.00052; ESP Exome Variant Server 0.00062.

Submissions 1 to 20 of 21:

Labcorp Genetics (formerly Invitae), Labcorp
Classification: Benign for Hereditary breast ovarian cancer syndrome. Last evaluated: 2026-01-28. Review status: criteria provided, single submitter. Criteria: Invitae Variant Classification Sherloc (09022015). Collection method: clinical testing. Allele origin: germline.

Cambridge Genomics Laboratory, East Genomic Laboratory Hub, NHS Genomic Medicine Service
Classification: Uncertain significance for Inherited breast cancer and ovarian cancer. Last evaluated: 2025-12-18. Review status: criteria provided, single submitter. Criteria: ACGS Best Practice Guidelines for Variant Classification in Rare Disease 2020. Collection method: clinical testing. Allele origin: germline. Affected: yes.

CeGaT Center for Human Genetics Tuebingen
Classification: Likely benign. Last evaluated: 2025-10-01. Review status: criteria provided, single submitter. Criteria: CeGaT Center For Human Genetics Tuebingen Variant Classification Criteria Version 2. Collection method: clinical testing. Allele origin: germline. Affected: yes. Observed: 1 variant allele.
Comment: BRCA1: PM1, BS1, BS4

Blueprint Genetics
Classification: Likely benign. Last evaluated: 2024-08-21. Review status: criteria provided, single submitter. Criteria: ACMG Guidelines, 2015. Collection method: clinical testing. Allele origin: germline.

Mendelics
Classification: Likely benign for Hereditary cancer. Last evaluated: 2024-01-23. Review status: criteria provided, single submitter. Criteria: ACMG Guidelines, 2015. Collection method: clinical testing. Allele origin: unknown.

GeneDx
Classification: Likely benign. Last evaluated: 2022-06-21. Review status: criteria provided, single submitter. Criteria: GeneDx Variant Classification Process June 2021. Collection method: clinical testing. Allele origin: germline. Affected: yes.
Comment: See Variant Classification Assertion Criteria.

National Health Laboratory Service, Universitas Academic Hospital and University of the Free State
Classification: Likely benign for Hereditary breast ovarian cancer syndrome. Last evaluated: 2022-04-19. Review status: criteria provided, single submitter. Criteria: ACMG Guidelines, 2015. Collection method: clinical testing. Allele origin: germline. Affected: yes. Observed: 1 variant allele.

Genetic Services Laboratory, University of Chicago
Classification: Likely benign. Last evaluated: 2022-01-03. Review status: criteria provided, single submitter. Criteria: ACMG Guidelines, 2015. Collection method: clinical testing. Allele origin: germline. Affected: no.

Genetics Program, Instituto Nacional de Cancer
Classification: Uncertain significance for Hereditary breast ovarian cancer syndrome. Last evaluated: 2021-11-01. Review status: criteria provided, single submitter. Criteria: ACMG Guidelines, 2015. Collection method: research. Allele origin: germline. Affected: yes.

Sema4
Classification: Likely benign for Hereditary cancer-predisposing syndrome. Last evaluated: 2021-05-10. Review status: criteria provided, single submitter. Criteria: Sema4 Curation Guidelines. Collection method: curation. Allele origin: germline.

Women's Health and Genetics/Laboratory Corporation of America, LabCorp
Classification: Benign. Last evaluated: 2016-06-06. Review status: criteria provided, single submitter. Criteria: LabCorp Variant Classification Summary - May 2015. Collection method: clinical testing. Allele origin: germline.
Comment: Variant summary: BRCA1 c.5348C>T is a missense variant that changes a conserved T to C, resulting in an amino acid change from Met to Thr at codon 1783 in the C-terminal BRCT domain of BRCA1. This variant is predicted to be damaging by 5/5 in-silico tools. Functional studies indicate that the variant slightly reduces BRCA1 structural stability, has intermediate phosphopeptide-binding activity, reduced transcriptional activity, and 66% of wild type BRCA1 HDR function.This variant was found in 21/121366 control chromosomes, predominantly observed in the African subpopulation at a frequency of 0.001929 (20/10368). This frequency is about 2 times the estimated maximal expected allele frequency of a pathogenic BRCA1 variant (0.0010005), suggesting this is likely a benign polymorphism found primarily in the populations of African origin. Although this variant was reported in multiple patients in the literature and databases, lack of co-segregation (McKean Cowdin_HumGen_2005) and multiple co-occurrences with pathogenic variants (UMD database) were found in some of these patients/families. In addition, multiple reputable sources classify this variant as likely benign/benign. Taken together, this variant was scored as Benign.

Institute for Biomarker Research, Medical Diagnostic Laboratories, L.L.C.
Classification: Likely benign for Hereditary breast ovarian cancer syndrome. Last evaluated: 2016-04-25. Review status: criteria provided, single submitter. Criteria: ACMG Guidelines, 2015. Collection method: clinical testing. Allele origin: germline.

Color Diagnostics, LLC DBA Color Health
Classification: Likely benign for Hereditary cancer-predisposing syndrome. Last evaluated: 2015-12-09. Review status: criteria provided, single submitter. Criteria: ACMG Guidelines, 2015. Collection method: clinical testing. Allele origin: germline.

Ambry Genetics
Classification: Benign for Hereditary cancer-predisposing syndrome. Last evaluated: 2014-11-18. Review status: criteria provided, single submitter. Criteria: Ambry Variant Classification Scheme 2023. Collection method: clinical testing. Allele origin: germline.

Pathway Genomics
Classification: Likely benign for Breast-ovarian cancer, familial 1. Last evaluated: 2014-10-30. Review status: criteria provided, single submitter. Criteria: ACMG Guidelines, 2015. Collection method: clinical testing. Allele origin: germline.

Clinical and Functional Genomics Group, A.C.Camargo Cancer Center
Classification: Uncertain significance for Breast Cancer. Review status: criteria provided, single submitter. Criteria: Silva et al. (BMC Med Genet. 2014). Collection method: research. Allele origin: germline. Affected: yes.

Foulkes Cancer Genetics LDI, Lady Davis Institute for Medical Research
Classification: Uncertain significance for Breast and/or ovarian cancer. Last evaluated: 2013-10-07. Review status: no assertion criteria provided. Collection method: clinical testing. Allele origin: germline. Study: The Canadian Open Genetics Repository (COGR). Not counted in ClinVar's aggregate classification.

Sharing Clinical Reports Project (SCRP)
Classification: Benign for Breast-ovarian cancer, familial 1. Last evaluated: 2009-08-05. Review status: no assertion criteria provided. Collection method: clinical testing. Allele origin: germline. Not counted in ClinVar's aggregate classification.

Breast Cancer Information Core (BIC) (BRCA1)
Classification: Uncertain significance for Breast-ovarian cancer, familial 1. Last evaluated: 2004-02-20. Review status: no assertion criteria provided. Collection method: clinical testing. Allele origin: germline. Affected: yes. Observed: 9 variant alleles. Not counted in ClinVar's aggregate classification.

Brotman Baty Institute, University of Washington
No classification provided (evidence only). Condition: Breast-ovarian cancer, familial 1. Review status: no classification provided. Collection method: in vitro. Allele origin: not applicable. Functional consequence: functionally_normal. Not counted in ClinVar's aggregate classification.
ClinVar note: "not provided" was previously submitted as the classification for the variant. However, the classification appeared to be based only on an observation of functional data so it was converted to no classification on 2025-07-30.